The following is an entry in ClinVar:

ClinVar aggregate classification (germline): Benign (0 of 4 stars; one submission).

Conditions:
FGFR4-related disorder. Also called: FGFR4-related condition.

Allele frequency attached by ClinVar (database versions not stated): ESP Exome Variant Server 0.59842; TOPMed 0.62208; gnomAD 0.63518; 1000 Genomes Project 30x 0.69316; 1000 Genomes Project 0.70188; gnomAD exomes 0.70739; ExAC 0.72795.
gnomAD v4.1: 1,115,914 of 1,593,690 alleles (70%); highest among the groups gnomAD compares: East Asian, 98%; 397,395 homozygotes.

Submission:

PreventionGenetics, part of Exact Sciences
Classification: Benign for FGFR4-related condition. Last evaluated: 2019-10-17. Review status: no assertion criteria provided. Collection method: clinical testing. Allele origin: germline.
Comment: This variant is classified as benign based on ACMG/AMP sequence variant interpretation guidelines (Richards et al. 2015 PMID: 25741868, with internal and published modifications).

NM_213647.3(FGFR4):c.1821+4C>T

Gene: FGFR4 (fibroblast growth factor receptor 4; plus strand). Cytogenetic location: 5q35.2.
Variant type: single nucleotide variant.
Coding change: c.1821+4C>T on transcript NM_213647.3 (MANE Select); 4 bases into the intron after coding-DNA position 1821, C replaced by T.
Molecular consequence: intron variant.
Genome position (GRCh38, 1-based): chr5:177,095,727, C>T. VCF-style: chr5-177095727-C-T. GRCh37 (hg19) VCF-style: chr5-176522728-C-T.
Other names: c.1821+4C>T (NM_002011.5, NM_001354984.2); c.1617+4C>T (NM_001291980.2); c.1701+4C>T (NM_022963.3).
Identifiers: ClinVar variation 3059127 (VCV003059127.2), dbSNP rs42409, ClinGen allele CA3576562.